The following is an entry in ClinVar:

NM_003244.4(TGIF1):c.779G>A (p.Arg260Gln)

Gene: TGIF1 (TGFB induced factor homeobox 1; plus strand). Cytogenetic location: 18p11.31.
Variant type: single nucleotide variant.
Coding change: c.779G>A on transcript NM_003244.4 (MANE Select); coding-DNA position 779, G replaced by A.
Protein change: p.Arg260Gln; replaces arginine 260 with glutamine.
Molecular consequence: missense variant.
Genome position (GRCh38, 1-based): chr18:3,457,900, G>A. VCF-style: chr18-3457900-G-A. GRCh37 (hg19) VCF-style: chr18-3457898-G-A.
Other names: c.788G>A, p.Arg263Gln (NM_001278682.2); c.779G>A, p.Arg260Gln (NM_001278684.2, NM_173208.3); c.719G>A, p.Arg240Gln (NM_001278686.3, NM_001374396.1, NM_001374397.1 and 5 more transcripts); c.821G>A, p.Arg274Gln (NM_173207.4); short protein forms R274Q, R263Q, R260Q, R240Q.
Identifiers: ClinVar variation 2901362 (VCV002901362.3), dbSNP rs138915638, ClinGen allele CA8876018.

ClinVar aggregate classification (germline): Uncertain significance (1 of 4 stars; one submission).

Conditions:
Holoprosencephaly 4 (HPE4). Identifiers: Orphanet 2162, MedGen C1840528, MONDO:0007734, OMIM 142946.

Allele frequency attached by ClinVar (database versions not stated): gnomAD exomes 0.00001; ExAC 0.00003; TOPMed 0.00003; gnomAD 0.00007; ESP Exome Variant Server 0.00008; 1000 Genomes Project 0.00040; 1000 Genomes Project 30x 0.00047.
gnomAD v4.1: 22 of 1,602,060 alleles (0.0014%); highest among the groups gnomAD compares: African/African-American, 0.015%; no homozygotes.

Submission:

Labcorp Genetics (formerly Invitae), Labcorp
Classification: Uncertain significance for Holoprosencephaly 4. Last evaluated: 2023-02-09. Review status: criteria provided, single submitter. Criteria: Invitae Variant Classification Sherloc (09022015). Collection method: clinical testing. Allele origin: germline.
Comment: This sequence change replaces arginine, which is basic and polar, with glutamine, which is neutral and polar, at codon 260 of the TGIF1 protein (p.Arg260Gln). This variant is present in population databases (rs138915638, gnomAD 0.02%). This variant has not been reported in the literature in individuals affected with TGIF1-related conditions. Advanced modeling of protein sequence and biophysical properties (such as structural, functional, and spatial information, amino acid conservation, physicochemical variation, residue mobility, and thermodynamic stability) performed at Invitae indicates that this missense variant is not expected to disrupt TGIF1 protein function. In summary, the available evidence is currently insufficient to determine the role of this variant in disease. Therefore, it has been classified as a Variant of Uncertain Significance.